The following is an entry in ClinVar:

ClinVar aggregate classification (germline): Likely benign. Review status: criteria provided, multiple submitters, no conflicts (2 of 4 stars). 4 submissions from 4 submitters: Likely benign (4). Last evaluated 2024-09-02.

Conditions:
Cardiomyopathy (CMYO). Also called: Cardiomyopathies. Identifiers: Orphanet 167848, MedGen C0878544, MONDO:0004994, HP:0001638. Inheritance: Various modes of inheritance.
Arrhythmogenic right ventricular dysplasia 8 (ARVD8). Also called: Arrhythmogenic Right Ventricular Dysplasia/Cardiomyopathy 8; ARRHYTHMOGENIC RIGHT VENTRICULAR DYSPLASIA, FAMILIAL, 8; ARRHYTHMOGENIC RIGHT VENTRICULAR CARDIOMYOPATHY 8. Identifiers: MedGen C1843896, MONDO:0011831, OMIM 607450.
Arrhythmogenic cardiomyopathy with wooly hair and keratoderma. Also called: PALMOPLANTAR KERATODERMA WITH LEFT VENTRICULAR CARDIOMYOPATHY AND WOOLLY HAIR; Carvajal syndrome; Dilated cardiomyopathy with woolly hair and keratoderma; Arrhythmogenic cardiomyopathy with woolly hair and keratoderma. Identifiers: Orphanet 65282, MedGen C1854063, MONDO:0011581, OMIM 605676.
Cardiovascular phenotype. Identifiers: MedGen CN230736.

Allele frequency attached by ClinVar (database versions not stated): gnomAD exomes below 0.00001; ExAC 0.00001; TOPMed 0.00001.
gnomAD v4.1: 2 of 1,608,848 alleles (0.00012%); highest among the groups gnomAD compares: Non-Finnish European, 0.00017%; no homozygotes.

Submissions (4):

Labcorp Genetics (formerly Invitae), Labcorp
Classification: Likely benign for Arrhythmogenic cardiomyopathy with wooly hair and keratoderma; Arrhythmogenic right ventricular dysplasia 8. Last evaluated: 2024-09-02. Review status: criteria provided, single submitter. Criteria: Invitae Variant Classification Sherloc (09022015). Collection method: clinical testing. Allele origin: germline.

All of Us Research Program, National Institutes of Health
Classification: Likely benign for Arrhythmogenic cardiomyopathy with wooly hair and keratoderma. Last evaluated: 2023-07-19. Review status: criteria provided, single submitter. Criteria: ACMG Guidelines, 2015. Collection method: clinical testing. Allele origin: germline. Inheritance: Autosomal dominant inheritance. Observed: 1 variant allele, 1 heterozygote.
Comment: This study involves interpretation of variants in research participants for the purpose of population health screening. Participant phenotype was not available at the time of variant classification. Additional details can be found in publication PMID: 35346344, PMCID: PMC8962531

Ambry Genetics
Classification: Likely benign for Cardiovascular phenotype. Last evaluated: 2021-11-09. Review status: criteria provided, single submitter. Criteria: Ambry Variant Classification Scheme 2023. Collection method: clinical testing. Allele origin: germline.

Color Diagnostics, LLC DBA Color Health
Classification: Likely benign for Cardiomyopathy. Last evaluated: 2019-11-13. Review status: criteria provided, single submitter. Criteria: ACMG Guidelines, 2015. Collection method: clinical testing. Allele origin: germline.

NM_004415.4(DSP):c.6C>T (p.Ser2=)

Genes: DSP (desmoplakin; plus strand), DSP-AS1 (DSP antisense RNA 1; minus strand). Cytogenetic location: 6p24.3.
Variant type: single nucleotide variant.
Coding change: c.6C>T on transcript NM_004415.4 (MANE Select); coding-DNA position 6, C replaced by T.
Protein change: p.Ser2=; no amino-acid change (serine 2 retained).
Molecular consequence: synonymous variant.
Genome position (GRCh38, 1-based): chr6:7,541,921, C>T. VCF-style: chr6-7541921-C-T. GRCh37 (hg19) VCF-style: chr6-7542154-C-T.
Other names: c.6C>T, p.Ser2= (NM_001008844.3, NM_001319034.2).
Identifiers: ClinVar variation 921529 (VCV000921529.7), dbSNP rs776052488, ClinGen allele CA048858.
Genomic context (GRCh38, chr6:7,541,921, plus strand): 5'-CGGCCCGCCTCGCTTATGCCTCGGCGCTGAGCCGCTCTCCCGATTGCCCGCCGACATGAG[C>T]TGCAACGGAGGCTCCCACCCGCGGATCAACACTCTGGGCCGCATGATCCGCGCCGAGTCT-3'
Protein context (NP_004406.2, residues 1-12): M[Ser2=]CNGGSHPRIN